The following is an entry in ClinVar:

ClinVar aggregate classification (germline): Uncertain significance (1 of 4 stars; one submission).

Submission:

Laboratorio de Genetica e Diagnostico Molecular, Hospital Israelita Albert Einstein
Classification: Uncertain significance. Last evaluated: 2022-03-16. Review status: criteria provided, single submitter. Criteria: ACMG Guidelines, 2015. Collection method: clinical testing. Allele origin: germline. Affected: yes.
Comment: ACMG classification criteria: PM2, BP4

NM_057175.5(NAA15):c.2185A>C (p.Thr729Pro)

Gene: NAA15 (N-alpha-acetyltransferase 15, NatA auxiliary subunit; plus strand). Cytogenetic location: 4q31.1.
Variant type: single nucleotide variant.
Coding change: c.2185A>C on transcript NM_057175.5 (MANE Select); coding-DNA position 2185, A replaced by C.
Protein change: p.Thr729Pro; replaces threonine 729 with proline.
Molecular consequence: missense variant.
Genome position (GRCh38, 1-based): chr4:139,384,861, A>C. VCF-style: chr4-139384861-A-C. GRCh37 (hg19) VCF-style: chr4-140306015-A-C.
Other names: short protein forms T729P.
Identifiers: ClinVar variation 1690579 (VCV001690579.2), dbSNP rs1748851378, ClinGen allele CA358270518.
Genomic context (GRCh38, chr4:139,384,861, plus strand): 5'-ACTGCTAAGATTTTATTTTTAATTTATTCAGCAGTGTGTGAAAGTAAAGATTTATCTGAT[A>C]CAGTTAGAACAGTATTAAAACAAGAAATGAATCGTCTTTTTGGAGCAACGAATCCAAAGA-3'
Protein context (NP_476516.1, residues 719-739): AVCESKDLSD[Thr729Pro]VRTVLKQEMN